The following is an entry in ClinVar:

NM_024580.6(EFL1):c.67dup (p.Cys23fs)

Gene: EFL1 (elongation factor like GTPase 1; minus strand). Cytogenetic location: 15q25.2.
Variant type: Duplication.
Coding change: c.67dup on transcript NM_024580.6 (MANE Select); coding-DNA position 67, one base duplicated (T; older notation c.67dupT).
Protein change: p.Cys23fs; shifts the reading frame from cysteine 23.
Molecular consequence: frameshift variant. On other transcripts: 5 prime UTR variant (1), non-coding transcript variant (1).
Genome position (GRCh38, 1-based): chr15:82,261,712, A duplicated on the plus strand (T on the coding strand, the reverse complement: EFL1 is on the minus strand); the first of 3 consecutive A bases (chr15:82,261,712-82,261,714); duplicating any one gives the same sequence. VCF-style (leftmost placement, unchanged base first): chr15-82261711-C-CA. GRCh37 (hg19) VCF-style: chr15-82554052-C-CA.
Other names: c.67dup, p.Cys23fs (NM_001040610.3, NM_001322845.2); c.-638dup (NM_001322844.2); short protein forms C23fs.
Identifiers: ClinVar variation 3602646 (VCV003602646.1).

ClinVar aggregate classification (germline): Uncertain significance (1 of 4 stars; one submission).

Conditions:
Shwachman-Diamond syndrome 2. Identifiers: MedGen C4693704, MONDO:0044205, OMIM 617941.

Submission:

St. Jude Molecular Pathology, St. Jude Children's Research Hospital
Classification: Uncertain significance for Shwachman-Diamond syndrome 2. Last evaluated: 2025-02-05. Review status: criteria provided, single submitter. Criteria: St. Jude Assertion Criteria 2020. Collection method: clinical testing. Allele origin: germline.
Comment: The EFL1 c.67dup (p.Cys23LeufsTer7) change causes a frameshift and the creation of a premature stop codon. This change is absent in gnomAD v2.1.1. This variant has not been reported in individuals with Shwachman-Diamond syndrome. To our knowledge, It is not clear whether loss-of-function variants in EFL1 are disease causing. In summary, the evidence currently available is insufficient to determine the clinical significance of this variant. It has therefore been classified as of uncertain significance.